The following is an entry in ClinVar:

ClinVar aggregate classification (germline): Uncertain significance (1 of 4 stars; one submission).

Conditions:
Cardiovascular phenotype. Identifiers: MedGen CN230736.

Allele frequency attached by ClinVar (database versions not stated): gnomAD exomes below 0.00001; ExAC 0.00001; TOPMed 0.00002.

Submission:

Ambry Genetics
Classification: Uncertain significance for Cardiovascular phenotype. Last evaluated: 2024-08-23. Review status: criteria provided, single submitter. Criteria: Ambry Variant Classification Scheme 2023. Collection method: clinical testing. Allele origin: germline.
Comment: The p.D93N variant (also known as c.277G>A), located in coding exon 3 of the MYOZ2 gene, results from a G to A substitution at nucleotide position 277. The aspartic acid at codon 93 is replaced by asparagine, an amino acid with highly similar properties. This amino acid position is conserved. In addition, this alteration is predicted to be tolerated by in silico analysis. Based on the available evidence, the clinical significance of this variant remains unclear.

NM_016599.5(MYOZ2):c.277G>A (p.Asp93Asn)

Gene: MYOZ2 (myozenin 2; plus strand). Cytogenetic location: 4q26.
Variant type: single nucleotide variant.
Coding change: c.277G>A on transcript NM_016599.5 (MANE Select); coding-DNA position 277, G replaced by A.
Protein change: p.Asp93Asn; replaces aspartic acid 93 with asparagine.
Molecular consequence: missense variant.
Genome position (GRCh38, 1-based): chr4:119,158,052, G>A. VCF-style: chr4-119158052-G-A. GRCh37 (hg19) VCF-style: chr4-120079207-G-A.
Other names: short protein forms D93N.
Identifiers: ClinVar variation 3401998 (VCV003401998.1), dbSNP rs753997345.